The following is an entry in ClinVar:

NM_001142966.3(GREB1L):c.3088G>A (p.Gly1030Ser)

Gene: GREB1L (GREB1 like retinoic acid receptor coactivator; plus strand). Cytogenetic location: 18q11.1.
Variant type: single nucleotide variant.
Coding change: c.3088G>A on transcript NM_001142966.3 (MANE Select); coding-DNA position 3088, G replaced by A.
Protein change: p.Gly1030Ser; replaces glycine 1030 with serine.
Molecular consequence: missense variant.
Genome position (GRCh38, 1-based): chr18:21,495,727, G>A. VCF-style: chr18-21495727-G-A. GRCh37 (hg19) VCF-style: chr18-19075688-G-A.
Other names: c.3217G>A, p.Gly1073Ser (NM_001410867.1); c.2761G>A, p.Gly921Ser (NM_001410868.1); short protein forms G1030S, G921S, G1073S.
Identifiers: ClinVar variation 2980322 (VCV002980322.3), dbSNP rs199956733, ClinGen allele CA8906554.

ClinVar aggregate classification (germline): Uncertain significance (1 of 4 stars; one submission).

Allele frequency attached by ClinVar (database versions not stated): ExAC 0.00005; gnomAD 0.00001.
gnomAD v4.1: 23 of 1,547,918 alleles (0.0015%); highest among the groups gnomAD compares: Middle Eastern, 0.017%; no homozygotes.

Submission:

Labcorp Genetics (formerly Invitae), Labcorp
Classification: Uncertain significance. Last evaluated: 2025-06-12. Review status: criteria provided, single submitter. Criteria: Invitae Variant Classification Sherloc (09022015). Collection method: clinical testing. Allele origin: germline.
Comment: This sequence change replaces glycine, which is neutral and non-polar, with serine, which is neutral and polar, at codon 1030 of the GREB1L protein (p.Gly1030Ser). This variant is present in population databases (rs199956733, gnomAD 0.01%). This variant has not been reported in the literature in individuals affected with GREB1L-related conditions. ClinVar contains an entry for this variant (Variation ID: 2980322). An algorithm developed to predict the effect of missense changes on protein structure and function (PolyPhen-2) suggests that this variant is likely to be disruptive. In summary, the available evidence is currently insufficient to determine the role of this variant in disease. Therefore, it has been classified as a Variant of Uncertain Significance.